The following is an entry in ClinVar:

ClinVar aggregate classification (germline): Conflicting classifications of pathogenicity. Review status: criteria provided, conflicting classifications (1 of 4 stars). 5 submissions from 5 submitters: Uncertain significance (2); Likely benign (2). 1 of the submissions does not count toward it. Last evaluated 2025-12-24.

Conditions:
DIAPH1-related disorder. Also called: DIAPH1-related condition.
Progressive microcephaly-seizures-cortical blindness-developmental delay syndrome. Also called: Seizures, cortical blindness, and microcephaly syndrome. Identifiers: Orphanet 477814, MedGen C5567650, MONDO:0014714, OMIM 616632.
Autosomal dominant nonsyndromic hearing loss 1. Also called: KONIGSMARK SYNDROME; DEAFNESS, AUTOSOMAL DOMINANT 1, WITH OR WITHOUT THROMBOCYTOPENIA. Identifiers: Orphanet 90635, MedGen C1852282, MONDO:0007424, OMIM 124900.
Inborn genetic diseases. Identifiers: MedGen C0950123, MeSH D030342.

Allele frequency attached by ClinVar (database versions not stated): ExAC 0.00007; gnomAD exomes 0.00007 and 0.00012; TOPMed 0.00011; 1000 Genomes Project 30x 0.00016; gnomAD 0.00016 and 0.00017; 1000 Genomes Project 0.00020.
gnomAD v4.1: 194 of 1,590,320 alleles (0.012%); highest among the groups gnomAD compares: Non-Finnish European, 0.015%; no homozygotes.

Submissions (5):

Labcorp Genetics (formerly Invitae), Labcorp
Classification: Likely benign for Progressive microcephaly-seizures-cortical blindness-developmental delay syndrome; Autosomal dominant nonsyndromic hearing loss 1. Last evaluated: 2025-12-24. Review status: criteria provided, single submitter. Criteria: Invitae Variant Classification Sherloc (09022015). Collection method: clinical testing. Allele origin: germline.

Blueprint Genetics
Classification: Likely benign. Last evaluated: 2024-10-18. Review status: criteria provided, single submitter. Criteria: ACMG Guidelines, 2015. Collection method: clinical testing. Allele origin: germline.

Ambry Genetics
Classification: Uncertain significance for Inborn genetic diseases. Last evaluated: 2022-03-25. Review status: criteria provided, single submitter. Criteria: Ambry Variant Classification Scheme 2023. Collection method: clinical testing. Allele origin: germline.
Comment: The c.301-5C>T intronic alteration consists of a C to T substitution 5 nucleotides before exon 4 of the DIAPH1 gene. Based on insufficient or conflicting evidence, the clinical significance of this alteration remains unclear.

Illumina Laboratory Services, Illumina
Classification: Uncertain significance for Autosomal dominant nonsyndromic hearing loss 1. Last evaluated: 2018-01-12. Review status: criteria provided, single submitter. Criteria: ICSL Variant Classification Criteria 13 December 2019. Collection method: clinical testing. Allele origin: germline.

PreventionGenetics, part of Exact Sciences
Classification: Likely benign for DIAPH1-related condition. Last evaluated: 2023-12-30. Review status: no assertion criteria provided. Collection method: clinical testing. Allele origin: germline. Not counted in ClinVar's aggregate classification.
Comment: This variant is classified as likely benign based on ACMG/AMP sequence variant interpretation guidelines (Richards et al. 2015 PMID: 25741868, with internal and published modifications).

NM_005219.5(DIAPH1):c.301-5C>T

Gene: DIAPH1 (diaphanous related formin 1; minus strand). Cytogenetic location: 5q31.3.
Variant type: single nucleotide variant.
Coding change: c.301-5C>T on transcript NM_005219.5 (MANE Select); 5 bases into the intron before coding-DNA position 301, C replaced by T.
Molecular consequence: intron variant.
Genome position (GRCh38, 1-based): chr5:141,584,230, G>A on the plus strand (C>T on the coding strand, the complement: DIAPH1 is on the minus strand). VCF-style: chr5-141584230-G-A. GRCh37 (hg19) VCF-style: chr5-140963797-G-A.
Other names: c.274-5C>T (NM_001079812.3); c.301-5C>T (NM_001314007.2).
Identifiers: ClinVar variation 351304 (VCV000351304.17), dbSNP rs190481949, ClinGen allele CA3479627.
Genomic context (GRCh38, chr5:141,584,230, plus strand): 5'-ATGATGTCCTTCTCCCTCAAAGGTTGCTGTTTCTCCTCATTCAGGTTCATATCCAGCTAG[G>A]AGAGGGAGAAAAAAGAGAAAAAACAAAATTGCCTCAAATTCTTTACAAATTTTTAGTGTT-3'